The following is an entry in ClinVar:

NM_001267550.2(TTN):c.47998G>C (p.Asp16000His)

Genes: TTN (titin; minus strand), TTN-AS1 (TTN antisense RNA 1; plus strand). Cytogenetic location: 2q31.2.
Variant type: single nucleotide variant.
Coding change: c.47998G>C on transcript NM_001267550.2 (MANE Select); coding-DNA position 47998, G replaced by C.
Protein change: p.Asp16000His; replaces aspartic acid 16000 with histidine.
Molecular consequence: missense variant.
Genome position (GRCh38, 1-based): chr2:178,616,891, C>G on the plus strand (G>C on the coding strand, the complement: TTN is on the minus strand). VCF-style: chr2-178616891-C-G. GRCh37 (hg19) VCF-style: chr2-179481618-C-G.
Other names: p.D14359H:GAT>CAT; c.47998G>C (NM_001267550.1); c.21178G>C, p.Asp7060His (NM_133432.3); c.21379G>C, p.Asp7127His (NM_133437.4); c.43075G>C, p.Asp14359His (NM_001256850.1); c.20803G>C, p.Asp6935His (NM_003319.4); c.40294G>C, p.Asp13432His (NM_133378.4); short protein forms D14359H, D16000H, D13432H, D6935H, D7127H, D7060H.
Identifiers: ClinVar variation 202660 (VCV000202660.73), dbSNP rs201388509, ClinGen allele CA309902.

ClinVar aggregate classification (germline): Conflicting classifications of pathogenicity. Review status: criteria provided, conflicting classifications (1 of 4 stars). 20 submissions from 16 submitters: Uncertain significance (6); Benign (3); Likely benign (7). 4 of the submissions do not count toward it. Last evaluated 2026-01-31.

Conditions:
TTN-related disorder. Also called: TTN-related condition; TTN-related disease; TTN-related disorders.
Cardiovascular phenotype. Identifiers: MedGen CN230736.
Autosomal recessive limb-girdle muscular dystrophy type 2J (LGMDR10). Also called: Limb-girdle muscular dystrophy, type 2J; MUSCULAR DYSTROPHY, LIMB-GIRDLE, AUTOSOMAL RECESSIVE 10. Identifiers: Orphanet 140922, MedGen C1837342, MONDO:0012127, OMIM 608807.
Dilated cardiomyopathy 1G (CMD1G). Identifiers: Orphanet 154, MedGen C1858763, MONDO:0011400, OMIM 604145.
Myopathy, myofibrillar, 9, with early respiratory failure (MFM9). Also called: EDSTROM MYOPATHY; MYOPATHY, PROXIMAL, WITH EARLY RESPIRATORY MUSCLE INVOLVEMENT; Myopathy, distal, with early respiratory failure, autosomal dominant; Hereditary myopathy with early respiratory failure. Identifiers: Orphanet 178464, Orphanet 34521, MedGen C1863599, MONDO:0011362, OMIM 603689.
Early-onset myopathy with fatal cardiomyopathy (CMYO5). Also called: Salih Myopathy; CONGENITAL MYOPATHY 5 WITH CARDIOMYOPATHY. Identifiers: Orphanet 289377, MedGen C2673677, MONDO:0012714, OMIM 611705. Disease mechanism: loss of function.
Tibial muscular dystrophy (TMD). Also called: Tibial muscular dystrophy, tardive; UDD MYOPATHY; Udd Distal Myopathy – Tibial Muscular Dystrophy. Identifiers: Orphanet 609, MedGen C1838244, MONDO:0010870, OMIM 600334.

Allele frequency attached by ClinVar (database versions not stated): TOPMed 0.00036; gnomAD 0.00048 and 0.00051; ESP Exome Variant Server 0.00059; gnomAD exomes 0.00068 and 0.00085; ExAC 0.00114.
gnomAD v4.1: 1,077 of 1,612,580 alleles (0.067%); highest among the groups gnomAD compares: Non-Finnish European, 0.075%; no homozygotes.

Submissions (20):

Labcorp Genetics (formerly Invitae), Labcorp
Classification: Likely benign for Dilated cardiomyopathy 1G; Autosomal recessive limb-girdle muscular dystrophy type 2J. Last evaluated: 2026-01-31. Review status: criteria provided, single submitter. Criteria: Invitae Variant Classification Sherloc (09022015). Collection method: clinical testing. Allele origin: germline.

CeGaT Center for Human Genetics Tuebingen
Classification: Likely benign. Last evaluated: 2025-11-01. Review status: criteria provided, single submitter. Criteria: CeGaT Center For Human Genetics Tuebingen Variant Classification Criteria Version 2. Collection method: clinical testing. Allele origin: germline. Affected: yes. Observed: 4 variant alleles.
Comment: TTN: BP4

Mayo Clinic Laboratories, Mayo Clinic
Classification: Likely benign. Last evaluated: 2025-08-28. Review status: criteria provided, single submitter. Criteria: ACMG Guidelines, 2015. Collection method: clinical testing. Allele origin: germline. Observed: 3 variant alleles.
Comment: BS1

Blueprint Genetics
Classification: Likely benign. Last evaluated: 2024-11-20. Review status: criteria provided, single submitter. Criteria: ACMG Guidelines, 2015. Collection method: clinical testing. Allele origin: germline.

ARUP Laboratories, Molecular Genetics and Genomics, ARUP Laboratories
Classification: Uncertain significance. Last evaluated: 2024-09-12. Review status: criteria provided, single submitter. Criteria: ARUP Molecular Germline Variant Investigation Process 2024. Collection method: clinical testing. Allele origin: germline.
Comment: The TTN c.47998G>C; p.Asp16000His variant (rs201388509; ClinVar Variation ID: 202660) is rare in the general population (<0.2% allele frequency in the Genome Aggregation Database) and has not been reported in the medical literature in association with dilated cardiomyopathy (DCM) or other TTN-related disease. The clinical relevance of rare missense variants in this gene, which are identified on average once per individual sequenced in affected populations (Herman 2012), is not well understood. Yet, evidence suggests that the vast majority of such missense variants do not contribute to the clinical outcome of DCM (Begay 2015). Thus, the clinical significance of the p.Asp16000His variant cannot be determined with certainty.

Athena Diagnostics
Classification: Benign. Last evaluated: 2024-08-02. Review status: criteria provided, single submitter. Criteria: Athena Diagnostics Criteria. Collection method: clinical testing. Allele origin: unknown.

Women's Health and Genetics/Laboratory Corporation of America, LabCorp
Classification: Likely benign. Last evaluated: 2022-10-28. Review status: criteria provided, single submitter. Criteria: LabCorp Variant Classification Summary - May 2015. Collection method: clinical testing. Allele origin: germline.
Comment: Variant summary: TTN c.40294G>C (p.Asp13432His) results in a non-conservative amino acid change located in the A-band region of the encoded protein sequence. Three of four in-silico tools predict a damaging effect of the variant on protein function. The variant allele was found at a frequency of 0.00085 in 247398 control chromosomes. The observed variant frequency is approximately 2 fold of the estimated maximal expected allele frequency for a pathogenic variant in TTN causing Dilated Cardiomyopathy phenotype (0.00039), strongly suggesting that the variant is benign. c.40294G>C has been reported in the literature in one infant with SIDS (Santori_2015) and two individuals with Hypertrophic Cardiomyopathy (Lopes_2013) without strong evidence for causality in all instances. These reports do not provide unequivocal conclusions about association of the variant with Dilated Cardiomyopathy. To our knowledge, no experimental evidence demonstrating an impact on protein function has been reported. Seven clinical diagnostic laboratories have submitted clinical-significance assessments for this variant to ClinVar after 2014 without evidence for independent evaluation. These laboratories classified as VUS (n=3), likely benign (n=3) and benign (n=1) . Based on the evidence outlined above, the variant was classified as likely benign.

GeneDx
Classification: Likely benign. Last evaluated: 2021-04-30. Review status: criteria provided, single submitter. Criteria: GeneDx Variant Classification Process June 2021. Collection method: clinical testing. Allele origin: germline. Affected: yes.
Comment: This variant is associated with the following publications: (PMID: 26272908, 23396983)

Ambry Genetics
Classification: Likely benign for Cardiovascular phenotype. Last evaluated: 2020-04-03. Review status: criteria provided, single submitter. Criteria: Ambry Variant Classification Scheme 2023. Collection method: clinical testing. Allele origin: germline.

Illumina Laboratory Services, Illumina
Classification: Uncertain significance for Early-onset myopathy with fatal cardiomyopathy. Last evaluated: 2018-01-12. Review status: criteria provided, single submitter. Criteria: ICSL Variant Classification Criteria 13 December 2019. Collection method: clinical testing. Allele origin: germline.

Illumina Laboratory Services, Illumina
Classification: Uncertain significance for Dilated cardiomyopathy 1G. Last evaluated: 2018-01-12. Review status: criteria provided, single submitter. Criteria: ICSL Variant Classification Criteria 13 December 2019. Collection method: clinical testing. Allele origin: germline.

Illumina Laboratory Services, Illumina
Classification: Uncertain significance for Autosomal recessive limb-girdle muscular dystrophy type 2J. Last evaluated: 2018-01-12. Review status: criteria provided, single submitter. Criteria: ICSL Variant Classification Criteria 13 December 2019. Collection method: clinical testing. Allele origin: germline.

Illumina Laboratory Services, Illumina
Classification: Benign for Tibial muscular dystrophy. Last evaluated: 2018-01-12. Review status: criteria provided, single submitter. Criteria: ICSL Variant Classification Criteria 13 December 2019. Collection method: clinical testing. Allele origin: germline.
Comment: This variant was observed in the ICSL laboratory as part of a predisposition screen in an ostensibly healthy population. It had not been previously curated by ICSL or reported in the Human Gene Mutation Database (HGMD: prior to June 1st, 2018), and was therefore a candidate for classification through an automated scoring system. Utilizing variant allele frequency, disease prevalence and penetrance estimates, and inheritance mode, an automated score was calculated to assess if this variant is too frequent to cause the disease. Based on the score and internal cut-off values, a variant classified as benign is not then subjected to further curation. The score for this variant resulted in a classification of benign for this disease.

Illumina Laboratory Services, Illumina
Classification: Benign for Myopathy, myofibrillar, 9, with early respiratory failure. Last evaluated: 2018-01-12. Review status: criteria provided, single submitter. Criteria: ICSL Variant Classification Criteria 13 December 2019. Collection method: clinical testing. Allele origin: germline.
Comment: the same text as in the submission from Illumina Laboratory Services, Illumina above.

Eurofins Ntd Llc (ga)
Classification: Uncertain significance. Last evaluated: 2017-11-17. Review status: criteria provided, single submitter. Criteria: EGL Classification Definitions 2015. Collection method: clinical testing. Allele origin: germline. Observed: 6 variant alleles, 6 heterozygotes.

Laboratory for Molecular Medicine, Mass General Brigham Personalized Medicine
Classification: Uncertain significance. Last evaluated: 2016-04-25. Review status: criteria provided, single submitter. Criteria: LMM Criteria. Collection method: clinical testing. Allele origin: germline. Observed: 1 variant allele.
Comment: Variant classified as Uncertain Significance - Favor Benign. The p.Asp13432His v ariant in TTN has not been previously reported in individuals with cardiomyopath y, but has been identified in 0.18% (117/66584) of European chromosomes by the E xome Aggregation Consortium (ExAC; dbSNP rs20138 8509). Computational prediction tools and conservation analysis do not provide s trong support for or against an impact to the protein. In summary, while the cli nical significance of the p.Asp13432His variant is uncertain, its frequency sugg ests that it is more likely to be benign.

PreventionGenetics, part of Exact Sciences
Classification: Likely benign for TTN-related condition. Last evaluated: 2022-05-02. Review status: no assertion criteria provided. Collection method: clinical testing. Allele origin: germline. Not counted in ClinVar's aggregate classification.
Comment: This variant is classified as likely benign based on ACMG/AMP sequence variant interpretation guidelines (Richards et al. 2015 PMID: 25741868, with internal and published modifications).

Clinical Genetics, Academic Medical Center
Classification: Benign. Review status: no assertion criteria provided. Collection method: clinical testing. Allele origin: germline. Affected: yes. Study: VKGL Data-share Consensus. Not counted in ClinVar's aggregate classification.

Diagnostic Laboratory, Department of Genetics, University Medical Center Groningen
Classification: Likely benign. Review status: no assertion criteria provided. Collection method: clinical testing. Allele origin: germline. Affected: yes. Study: VKGL Data-share Consensus. Not counted in ClinVar's aggregate classification.

Laboratory of Diagnostic Genome Analysis, Leiden University Medical Center (LUMC)
Classification: Likely benign. Review status: no assertion criteria provided. Collection method: clinical testing. Allele origin: germline. Affected: yes. Study: VKGL Data-share Consensus. Not counted in ClinVar's aggregate classification.

Literature cited by the submitters: PubMed 29970176 (cited by Athena Diagnostics); PubMed 26272908 (cited by 3 submitters); PubMed 37904629 (cited by Athena Diagnostics); PubMed 23396983 (cited by Women's Health and Genetics/Laboratory Corporation of America, LabCorp and Ambry Genetics); PubMed 25626705 (cited by Ambry Genetics).